The following is an entry in ClinVar:

NM_001008388.5(CISD2):c.83C>T (p.Thr28Ile)

Genes: CISD2 (CDGSH iron sulfur domain 2; plus strand), LOC129992892 (ATAC-STARR-seq lymphoblastoid silent region 15603; plus strand). Cytogenetic location: 4q24.
Variant type: single nucleotide variant.
Coding change: c.83C>T on transcript NM_001008388.5 (MANE Select); coding-DNA position 83, C replaced by T.
Protein change: p.Thr28Ile; replaces threonine 28 with isoleucine.
Molecular consequence: missense variant.
Genome position (GRCh38, 1-based): chr4:102,869,167, C>T. VCF-style: chr4-102869167-C-T. GRCh37 (hg19) VCF-style: chr4-103790324-C-T.
Other names: c.83C>T (NM_001008388.4); short protein forms T28I.
Identifiers: ClinVar variation 1513999 (VCV001513999.8), dbSNP rs759654427, ClinGen allele CA3027647.

ClinVar aggregate classification (germline): Uncertain significance. Review status: criteria provided, multiple submitters, no conflicts (2 of 4 stars). 3 submissions from 3 submitters: Uncertain significance (3). Last evaluated 2025-08-22.

Conditions:
Inborn genetic diseases. Identifiers: MedGen C0950123, MeSH D030342.
Wolfram syndrome 2 (WFS2). Identifiers: Orphanet 3463, MedGen C1858028, MONDO:0011502, OMIM 604928.

Allele frequency attached by ClinVar (database versions not stated): TOPMed 0.00001; gnomAD exomes 0.00002; ExAC 0.00004.
gnomAD v4.1: 26 of 1,610,854 alleles (0.0016%); highest among the groups gnomAD compares: Admixed American, 0.0084%; no homozygotes.

Submissions (3):

Ambry Genetics
Classification: Uncertain significance for Inborn genetic diseases. Last evaluated: 2025-08-22. Review status: criteria provided, single submitter. Criteria: Ambry Variant Classification Scheme 2023. Collection method: clinical testing. Allele origin: germline.

Labcorp Genetics (formerly Invitae), Labcorp
Classification: Uncertain significance. Last evaluated: 2025-08-18. Review status: criteria provided, single submitter. Criteria: Invitae Variant Classification Sherloc (09022015). Collection method: clinical testing. Allele origin: germline.
Comment: This sequence change replaces threonine, which is neutral and polar, with isoleucine, which is neutral and non-polar, at codon 28 of the CISD2 protein (p.Thr28Ile). This variant is present in population databases (rs759654427, gnomAD 0.01%). This variant has not been reported in the literature in individuals affected with CISD2-related conditions. ClinVar contains an entry for this variant (Variation ID: 1513999). An algorithm developed to predict the effect of missense changes on protein structure and function (PolyPhen-2) suggests that this variant is likely to be tolerated. In summary, the available evidence is currently insufficient to determine the role of this variant in disease. Therefore, it has been classified as a Variant of Uncertain Significance.

Fulgent Genetics
Classification: Uncertain significance for Wolfram syndrome 2. Last evaluated: 2021-11-29. Review status: criteria provided, single submitter. Criteria: ACMG Guidelines, 2015. Collection method: clinical testing. Allele origin: unknown.